The following is an entry in ClinVar:

ClinVar aggregate classification (germline): Uncertain significance. Review status: criteria provided, multiple submitters, no conflicts (2 of 4 stars). 2 submissions from 2 submitters: Uncertain significance (2). Last evaluated 2024-03-18.

Conditions:
Generalized epilepsy with febrile seizures plus, type 2 (GEFSP2). Also called: GEFS+, TYPE 2. Identifiers: Orphanet 36387, MedGen C1858673, MONDO:0011461, OMIM 604403.
Severe myoclonic epilepsy in infancy (DRVT). Also called: SEVERE MYOCLONIC EPILEPSY OF INFANCY; Dravet syndrome; Epileptic encephalopathy, early infantile, 6 (Dravet syndrome); DEVELOPMENTAL AND EPILEPTIC ENCEPHALOPATHY 6A; Severe Myoclonic Epilepsy in Infancy (SMEI). Identifiers: Orphanet 33069, MedGen C0751122, MONDO:0100135, OMIM 607208.
Migraine, familial hemiplegic, 3. Identifiers: Orphanet 569, MedGen C1864987, MONDO:0012320, OMIM 609634.
Developmental and epileptic encephalopathy 6B. Also called: Developmental and epileptic encephalopathy 6B, non-Dravet. Identifiers: MedGen C5543353, MONDO:0030268, OMIM 619317.

Submissions (2):

GeneDx
Classification: Uncertain significance. Last evaluated: 2024-03-18. Review status: criteria provided, single submitter. Criteria: GeneDx Variant Classification Process June 2021. Collection method: clinical testing. Allele origin: germline. Affected: yes.
Comment: Reported in the published literature in a patient with Dravet syndrome (PMID: 31031587); Not observed at significant frequency in large population cohorts (gnomAD); In silico analysis supports that this missense variant has a deleterious effect on protein structure/function; This substitution is predicted to be within the extracellular loop between the S5 and S6 transmembrane segments of the second homologous domain.; This variant is associated with the following publications: (PMID: 31031587)

Juno Genomics, Hangzhou Juno Genomics, Inc
Classification: Uncertain significance for Developmental and epileptic encephalopathy 6B; Severe myoclonic epilepsy in infancy; Generalized epilepsy with febrile seizures plus, type 2; Migraine, familial hemiplegic, 3. Review status: criteria provided, single submitter. Criteria: ACMG Guidelines, 2015. Collection method: clinical testing. Allele origin: germline. Affected: yes.
Comment: Absent from controls (or at extremely low frequency if recessive) in Genome Aggregation Database.;Multiple lines of computational evidence support a deleterious effect on the gene or gene product.;The prevalence of the variant in affected individuals is significantly increased compared to the prevalence in controls.

NM_001165963.4(SCN1A):c.2765A>G (p.Lys922Arg)

Gene: SCN1A (sodium voltage-gated channel alpha subunit 1; minus strand). Cytogenetic location: 2q24.3.
Variant type: single nucleotide variant.
Coding change: c.2765A>G on transcript NM_001165963.4 (MANE Select); coding-DNA position 2765, A replaced by G.
Protein change: p.Lys922Arg; replaces lysine 922 with arginine.
Molecular consequence: missense variant. On other transcripts: non-coding transcript variant (1).
Genome position (GRCh38, 1-based): chr2:166,037,957, T>C on the plus strand (A>G on the coding strand, the complement: SCN1A is on the minus strand). VCF-style: chr2-166037957-T-C. GRCh37 (hg19) VCF-style: chr2-166894467-T-C.
Other names: c.2681A>G, p.Lys894Arg (NM_001165964.3, NM_001353957.2, NM_001353958.2); c.2765A>G, p.Lys922Arg (NM_001202435.3, NM_001353948.2); c.2732A>G, p.Lys911Arg (NM_001353949.2, NM_001353950.2, NM_001353951.2 and 2 more transcripts); c.2729A>G, p.Lys910Arg (NM_001353954.2, NM_001353955.2); c.2678A>G, p.Lys893Arg (NM_001353960.2); c.323A>G, p.Lys108Arg (NM_001353961.2); short protein forms K108R, K893R, K894R, K910R, K911R, K922R.
Identifiers: ClinVar variation 3343867 (VCV003343867.2).